The following is an entry in ClinVar:

NM_004329.3(BMPR1A):c.446G>A (p.Gly149Asp)

Gene: BMPR1A (bone morphogenetic protein receptor type 1A; plus strand). Cytogenetic location: 10q23.2.
Variant type: single nucleotide variant.
Coding change: c.446G>A on transcript NM_004329.3 (MANE Select); coding-DNA position 446, G replaced by A.
Protein change: p.Gly149Asp; replaces glycine 149 with aspartic acid.
Molecular consequence: missense variant. On other transcripts: non-coding transcript variant (3), intron variant (1).
Genome position (GRCh38, 1-based): chr10:86,900,042, G>A. VCF-style: chr10-86900042-G-A. GRCh37 (hg19) VCF-style: chr10-88659799-G-A.
Other names: c.362G>A, p.Gly121Asp (NM_001406584.1, NM_001406585.1, NM_001406586.1 and 2 more transcripts); c.446G>A, p.Gly149Asp (NM_001406574.1, NM_001406575.1, NM_001406576.1 and 22 more transcripts); c.333+7813G>A (NM_001406589.1); short protein forms G121D, G149D.
Identifiers: ClinVar variation 3678470 (VCV003678470.2).

ClinVar aggregate classification (germline): Uncertain significance (1 of 4 stars; one submission).

Conditions:
Juvenile polyposis syndrome (JPS). Identifiers: Orphanet 2929, MedGen C0345893, MONDO:0017380, OMIM 174900.

Submission:

Labcorp Genetics (formerly Invitae), Labcorp
Classification: Uncertain significance for Juvenile polyposis syndrome. Last evaluated: 2024-02-20. Review status: criteria provided, single submitter. Criteria: Invitae Variant Classification Sherloc (09022015). Collection method: clinical testing. Allele origin: germline.
Comment: This sequence change replaces glycine, which is neutral and non-polar, with aspartic acid, which is acidic and polar, at codon 149 of the BMPR1A protein (p.Gly149Asp). This variant is not present in population databases (gnomAD no frequency). This variant has not been reported in the literature in individuals affected with BMPR1A-related conditions. Advanced modeling of protein sequence and biophysical properties (such as structural, functional, and spatial information, amino acid conservation, physicochemical variation, residue mobility, and thermodynamic stability) performed at Invitae indicates that this missense variant is not expected to disrupt BMPR1A protein function with a negative predictive value of 80%. In summary, the available evidence is currently insufficient to determine the role of this variant in disease. Therefore, it has been classified as a Variant of Uncertain Significance.